The following is an entry in ClinVar:

ClinVar aggregate classification (germline): Uncertain significance (1 of 4 stars; one submission).

Conditions:
Tyrosinemia type I (TYRSN1). Also called: HEPATORENAL TYROSINEMIA; Tyrosinemia type 1; Fumarylacetoacetase deficiency; FAH DEFICIENCY; Deficiency of fumarylacetoacetase. Identifiers: Orphanet 882, MedGen C0268490, MONDO:0010161, OMIM 276700. Disease mechanism: loss of function.

Submission:

Labcorp Genetics (formerly Invitae), Labcorp
Classification: Uncertain significance for Tyrosinemia type I. Last evaluated: 2023-06-14. Review status: criteria provided, single submitter. Criteria: Invitae Variant Classification Sherloc (09022015). Collection method: clinical testing. Allele origin: germline.
Comment: This sequence change falls in intron 4 of the FAH gene. It does not directly change the encoded amino acid sequence of the FAH protein. It affects a nucleotide within the consensus splice site. This variant is not present in population databases (gnomAD no frequency). This variant has not been reported in the literature in individuals affected with FAH-related conditions. This variant is also known as c.365-2_399dup (p.Ala134Argfs*62). Variants that disrupt the consensus splice site are a relatively common cause of aberrant splicing (PMID: 17576681, 9536098). Algorithms developed to predict the effect of sequence changes on RNA splicing suggest that this variant may disrupt the consensus splice site. In summary, the available evidence is currently insufficient to determine the role of this variant in disease. Therefore, it has been classified as a Variant of Uncertain Significance.

Literature cited by the submitters: PubMed 17576681; PubMed 9536098.

NM_000137.4(FAH):c.365-2_399dup

Gene: FAH (fumarylacetoacetate hydrolase; plus strand). Cytogenetic location: 15q25.1.
Variant type: Duplication.
Coding change: c.365-2_399dup on transcript NM_000137.4 (MANE Select); the canonical splice acceptor site of the intron before coding-DNA position 365 through coding-DNA position 399, 37 bases duplicated.
Molecular consequence: splice acceptor variant.
Genome position (GRCh38, 1-based): chr15:80,162,244-80,162,280, 37 bases duplicated. GRCh37 (hg19): chr15:80,454,586-80,454,622.
Other names: c.365-2_399dup (NM_001374377.1, NM_001374380.1).
Identifiers: ClinVar variation 2725733 (VCV002725733.3), dbSNP rs2505844468, ClinGen allele CA2697549251.